The following is an entry in ClinVar:

NM_000038.6(APC):c.4090A>G (p.Ser1364Gly)

Gene: APC (APC regulator of WNT signaling pathway; plus strand). Cytogenetic location: 5q22.2.
Variant type: single nucleotide variant.
Coding change: c.4090A>G on transcript NM_000038.6 (MANE Select); coding-DNA position 4090, A replaced by G.
Protein change: p.Ser1364Gly; replaces serine 1364 with glycine.
Molecular consequence: missense variant. On other transcripts: non-coding transcript variant (2).
Genome position (GRCh38, 1-based): chr5:112,839,684, A>G. VCF-style: chr5-112839684-A-G. GRCh37 (hg19) VCF-style: chr5-112175381-A-G.
Other names: c.4090A>G, p.Ser1364Gly (NM_001127510.3, NM_001354895.2, NM_001407450.1); c.4036A>G, p.Ser1346Gly (NM_001127511.3); c.4144A>G, p.Ser1382Gly (NM_001354896.2, NM_001407447.1, NM_001407448.1 and 1 more transcripts); c.4120A>G, p.Ser1374Gly (NM_001354897.2); c.4015A>G, p.Ser1339Gly (NM_001354898.2); c.4006A>G, p.Ser1336Gly (NM_001354899.2); c.3967A>G, p.Ser1323Gly (NM_001354900.2); c.3913A>G, p.Ser1305Gly (NM_001354901.2, NM_001407453.1); and 11 more; short protein forms S1081G, S1204G, S1235G, S1238G, S1263G, S1273G, S1281G, S1305G.
Identifiers: ClinVar variation 2501639 (VCV002501639.1), dbSNP rs1580643905, ClinGen allele CA16030288.
Genomic context (GRCh38, chr5:112,839,684, plus strand): 5'-TCAGAATCAGCCAGGCACAAAGCTGTTGAATTTTCTTCAGGAGCGAAATCTCCCTCCAAA[A>G]GTGGTGCTCAGACACCCAAAAGTCCACCTGAACACTATGTTCAGGAGACCCCACTCATGT-3'
Protein context (NP_000029.2, residues 1354-1374): FSSGAKSPSK[Ser1364Gly]GAQTPKSPPE

ClinVar aggregate classification (germline): Uncertain significance (1 of 4 stars; one submission).

Allele frequency attached by ClinVar (database versions not stated): gnomAD exomes below 0.00001.
gnomAD v4.1: 1 of 1,614,150 alleles (0.000062%); highest among the groups gnomAD compares: Non-Finnish European, 0.000085%; no homozygotes.

Submission:

GeneDx
Classification: Uncertain significance. Last evaluated: 2022-11-08. Review status: criteria provided, single submitter. Criteria: GeneDx Variant Classification Process June 2021. Collection method: clinical testing. Allele origin: germline. Affected: yes.
Comment: Not observed at significant frequency in large population cohorts (gnomAD); In silico analysis supports that this missense variant does not alter protein structure/function; Has not been previously published as pathogenic or benign to our knowledge; This variant is associated with the following publications: (PMID: 18199528)